The following is an entry in ClinVar:

NM_001379500.1(COL18A1):c.1113A>G (p.Pro371=)

Gene: COL18A1 (collagen type XVIII alpha 1 chain; plus strand). Cytogenetic location: 21q22.3.
Variant type: single nucleotide variant.
Coding change: c.1113A>G on transcript NM_001379500.1 (MANE Select); coding-DNA position 1113, A replaced by G.
Protein change: p.Pro371=; no amino-acid change (proline 371 retained).
Molecular consequence: synonymous variant.
Genome position (GRCh38, 1-based): chr21:45,477,857, A>G. VCF-style: chr21-45477857-A-G. GRCh37 (hg19) VCF-style: chr21-46897771-A-G.
Other names: c.1653A>G, p.Pro551= (NM_030582.4); c.2358A>G, p.Pro786= (NM_130444.3).
Identifiers: ClinVar variation 1447633 (VCV001447633.6), dbSNP rs2145924982, ClinGen allele CA512712404.

ClinVar aggregate classification (germline): Uncertain significance (1 of 4 stars; one submission).

Submission:

Labcorp Genetics (formerly Invitae), Labcorp
Classification: Uncertain significance. Last evaluated: 2021-06-19. Review status: criteria provided, single submitter. Criteria: Invitae Variant Classification Sherloc (09022015). Collection method: clinical testing. Allele origin: germline.
Comment: This sequence change affects codon 371 of the COL18A1 mRNA. It is a 'silent' change, meaning that it does not change the encoded amino acid sequence of the COL18A1 protein. This variant is not present in population databases (ExAC no frequency). This variant has not been reported in the literature in individuals with COL18A1-related conditions. In summary, the available evidence is currently insufficient to determine the role of this variant in disease. Therefore, it has been classified as a Variant of Uncertain Significance.